The following is an entry in ClinVar:

NM_001048174.2(MUTYH):c.355A>G (p.Asn119Asp)

Gene: MUTYH (mutY DNA glycosylase; minus strand). Cytogenetic location: 1p34.1.
Variant type: single nucleotide variant.
Coding change: c.355A>G on transcript NM_001048174.2 (MANE Select); coding-DNA position 355, A replaced by G.
Protein change: p.Asn119Asp; replaces asparagine 119 with aspartic acid.
Molecular consequence: missense variant. On other transcripts: non-coding transcript variant (1), intron variant (2).
Genome position (GRCh38, 1-based): chr1:45,333,120, T>C on the plus strand (A>G on the coding strand, the complement: MUTYH is on the minus strand). VCF-style: chr1-45333120-T-C. GRCh37 (hg19) VCF-style: chr1-45798792-T-C.
Other names: c.355A>G, p.Asn119Asp (NM_001048171.2, NM_001048173.2, NM_001293195.2); c.358A>G, p.Asn120Asp (NM_001048172.2); c.439A>G, p.Asn147Asp (NM_001128425.2); c.400A>G, p.Asn134Asp (NM_001293190.2); c.388A>G, p.Asn130Asp (NM_001293191.2); c.79A>G, p.Asn27Asp (NM_001293192.2, NM_001293196.2); c.430A>G, p.Asn144Asp (NM_012222.3); c.34-161A>G (NM_001350651.2, NM_001350650.2); short protein forms N120D, N130D, N134D, N119D, N147D, N144D, N27D.
Identifiers: ClinVar variation 957760 (VCV000957760.12), dbSNP rs1645267570, ClinGen allele CA340136114.
Genomic context (GRCh38, chr1:45,333,120, plus strand): 5'-CTGACCCATGACCCTTCCCTTCCTCCCCTGGAGTCACCTGCATCCATCCGGTATAGTAGT[T>C]GATCACAGTGGCAACCTGGGTCTGCTGCAGCATGACCTCTGAGACCCACACTGGGGGAAA-3'
Protein context (NP_001041639.1, residues 109-129): LQQTQVATVI[Asn119Asp]YYTGWMQKWP

ClinVar aggregate classification (germline): Conflicting classifications of pathogenicity. Review status: criteria provided, conflicting classifications (1 of 4 stars). 2 submissions from 2 submitters: Uncertain significance (1); Likely benign (1). Last evaluated 2024-01-09.

Conditions:
Hereditary cancer-predisposing syndrome. Also called: Tumor predisposition; Hereditary Cancer Syndrome; Neoplastic Syndromes, Hereditary; Hereditary neoplastic syndrome. Identifiers: Orphanet 140162, MedGen C0027672, MeSH D009386, MONDO:0015356.
Familial adenomatous polyposis 2. Also called: COLORECTAL ADENOMATOUS POLYPOSIS, AUTOSOMAL RECESSIVE; ADENOMAS, MULTIPLE COLORECTAL, AUTOSOMAL RECESSIVE; MYH-associated polyposis; FAP type 2; MUTYH-associated polyposis; MUTYH-related attenuated familial adenomatous polyposis. Identifiers: Orphanet 220460, Orphanet 247798, MedGen C3272841, MONDO:0012041, OMIM 608456.

Submissions (2):

Labcorp Genetics (formerly Invitae), Labcorp
Classification: Uncertain significance for Familial adenomatous polyposis 2. Last evaluated: 2024-01-09. Review status: criteria provided, single submitter. Criteria: Invitae Variant Classification Sherloc (09022015). Collection method: clinical testing. Allele origin: germline.
Comment: This sequence change replaces asparagine, which is neutral and polar, with aspartic acid, which is acidic and polar, at codon 147 of the MUTYH protein (p.Asn147Asp). This variant is not present in population databases (gnomAD no frequency). This variant has not been reported in the literature in individuals affected with MUTYH-related conditions. ClinVar contains an entry for this variant (Variation ID: 957760). Algorithms developed to predict the effect of missense changes on protein structure and function output the following: SIFT: "Not Available"; PolyPhen-2: "Benign"; Align-GVGD: "Not Available". The aspartic acid amino acid residue is found in multiple mammalian species, which suggests that this missense change does not adversely affect protein function. In summary, the available evidence is currently insufficient to determine the role of this variant in disease. Therefore, it has been classified as a Variant of Uncertain Significance.

Ambry Genetics
Classification: Likely benign for Hereditary cancer-predisposing syndrome. Last evaluated: 2019-10-22. Review status: criteria provided, single submitter. Criteria: Ambry Variant Classification Scheme 2023. Collection method: clinical testing. Allele origin: germline.